The following is an entry in ClinVar:

ClinVar aggregate classification (germline): Uncertain significance. Review status: criteria provided, multiple submitters, no conflicts (2 of 4 stars). 4 submissions from 4 submitters: Uncertain significance (4). Last evaluated 2025-05-07.

Conditions:
Wilms tumor 1 (WT1). Also called: Wilms tumor, somatic. Identifiers: Orphanet 654, MedGen CN033288, MONDO:0008679, OMIM 194070.
11p partial monosomy syndrome (WAGR). Also called: WAGR Complex; WAGR Spectrum Disorder; WAGR syndrome; CHROMOSOME 11p13 DELETION SYNDROME. Identifiers: Orphanet 893, MedGen C0206115, MONDO:0008681, OMIM 194072.
Drash syndrome (DDS). Also called: NEPHROPATHY, WILMS TUMOR, AND GENITAL ANOMALIES; WILMS TUMOR AND PSEUDO- OR TRUE HERMAPHRODITISM. Identifiers: Orphanet 220, MedGen C0950121, MONDO:0008682, OMIM 194080.
Frasier syndrome. Identifiers: Orphanet 347, MedGen C0950122, MeSH D052159, MONDO:0007635, OMIM 136680.
Meacham syndrome. Also called: Meacham Winn Culler syndrome. Identifiers: Orphanet 3097, MedGen C1837026, MONDO:0012164, OMIM 608978.
Mesothelioma, malignant (MESOM). Also called: Malignant mesothelioma (disease). Identifiers: Orphanet 50251, MedGen C0345967, MONDO:0006292, OMIM 156240, HP:0100001.
Nephrotic syndrome, type 4 (NPHS4). Also called: Familial mesangial sclerosis; Nephrotic syndrome, early onset with diffuse mesangial sclerosis. Identifiers: Orphanet 656, MedGen C3151568, MONDO:0009733, OMIM 256370.
Inborn genetic diseases. Identifiers: MedGen C0950123, MeSH D030342.

Allele frequency attached by ClinVar (database versions not stated): TOPMed 0.00001.
gnomAD v4.1: 4 of 1,613,970 alleles (0.00025%); highest among the groups gnomAD compares: East Asian, 0.0022%; no homozygotes.

Submissions (4):

Ambry Genetics
Classification: Uncertain significance for Inborn genetic diseases. Last evaluated: 2025-05-07. Review status: criteria provided, single submitter. Criteria: Ambry Variant Classification Scheme 2023. Collection method: clinical testing. Allele origin: germline.
Comment: The p.R370P variant (also known as c.1109G>C), located in coding exon 7 of the WT1 gene, results from a G to C substitution at nucleotide position 1109. The arginine at codon 370 is replaced by proline, an amino acid with dissimilar properties. This amino acid position is highly conserved in available vertebrate species. In addition, this alteration is predicted to be deleterious by in silico analysis. Based on the available evidence, the clinical significance of this variant remains unclear.

Fulgent Genetics
Classification: Uncertain significance for Frasier syndrome; Mesothelioma, malignant; Wilms tumor 1; Drash syndrome; Nephrotic syndrome, type 4; Meacham syndrome. Last evaluated: 2024-04-30. Review status: criteria provided, single submitter. Criteria: ACMG Guidelines, 2015. Collection method: clinical testing. Allele origin: germline.

Baylor Genetics
Classification: Uncertain significance for Drash syndrome. Last evaluated: 2024-02-06. Review status: criteria provided, single submitter. Criteria: ACMG Guidelines, 2015. Collection method: clinical testing. Allele origin: unknown.

Labcorp Genetics (formerly Invitae), Labcorp
Classification: Uncertain significance for Wilms tumor 1; Drash syndrome; 11p partial monosomy syndrome; Frasier syndrome. Last evaluated: 2022-05-02. Review status: criteria provided, single submitter. Criteria: Invitae Variant Classification Sherloc (09022015). Collection method: clinical testing. Allele origin: germline.
Comment: This sequence change replaces arginine, which is basic and polar, with proline, which is neutral and non-polar, at codon 370 of the WT1 protein (p.Arg370Pro). This variant is present in population databases (rs554416372, gnomAD 0.006%). This variant has not been reported in the literature in individuals affected with WT1-related conditions. ClinVar contains an entry for this variant (Variation ID: 581178). Algorithms developed to predict the effect of missense changes on protein structure and function (SIFT, PolyPhen-2, Align-GVGD) all suggest that this variant is likely to be disruptive. In summary, the available evidence is currently insufficient to determine the role of this variant in disease. Therefore, it has been classified as a Variant of Uncertain Significance.

NM_024426.6(WT1):c.1124G>C (p.Arg375Pro)

Gene: WT1 (WT1 transcription factor; minus strand). Cytogenetic location: 11p13.
Variant type: single nucleotide variant.
Coding change: c.1124G>C on transcript NM_024426.6 (MANE Select); coding-DNA position 1124, G replaced by C.
Protein change: p.Arg375Pro; replaces arginine 375 with proline.
Molecular consequence: missense variant. On other transcripts: 5 prime UTR variant (1), non-coding transcript variant (1).
Genome position (GRCh38, 1-based): chr11:32,396,397, C>G on the plus strand (G>C on the coding strand, the complement: WT1 is on the minus strand). VCF-style: chr11-32396397-C-G. GRCh37 (hg19) VCF-style: chr11-32417943-C-G.
Other names: c.1073G>C, p.Arg358Pro (NM_000378.6, NM_001407045.1, NM_001407048.1 and 1 more transcripts); c.473G>C, p.Arg158Pro (NM_001198551.2); c.422G>C, p.Arg141Pro (NM_001198552.2); c.-65G>C (NM_001367854.1); c.1118G>C, p.Arg373Pro (NM_001407044.1); c.1124G>C, p.Arg375Pro (NM_001407046.1, NM_024424.5); c.1001G>C, p.Arg334Pro (NM_001407047.1); c.950G>C, p.Arg317Pro (NM_001407050.1); and 2 more; short protein forms R158P, R375P, R141P, R358P, R121P, R334P, R373P, R353P.
Identifiers: ClinVar variation 581178 (VCV000581178.12), dbSNP rs554416372, ClinGen allele CA064267.